The following is an entry in ClinVar:

ClinVar aggregate classification (germline): Conflicting classifications of pathogenicity. Review status: criteria provided, conflicting classifications (1 of 4 stars). 4 submissions from 4 submitters: Uncertain significance (3); Likely benign (1). Last evaluated 2024-07-16.

Conditions:
Hereditary cancer-predisposing syndrome. Also called: Hereditary Cancer Syndrome; Neoplastic Syndromes, Hereditary; Tumor predisposition; Hereditary neoplastic syndrome. Identifiers: Orphanet 140162, MedGen C0027672, MeSH D009386, MONDO:0015356.
BAP1-related tumor predisposition syndrome (TPDS1). Also called: Tumor susceptibility linked to germline BAP1 mutations; BAP1 tumor predisposition syndrome; COMMON Syndrome; TUMOR PREDISPOSITION SYNDROME 1. Identifiers: Orphanet 289539, MedGen C3280492, MONDO:0013692, OMIM 614327.

Submissions (4):

Myriad Genetics, Inc.
Classification: Likely benign for BAP1-related tumor predisposition syndrome. Last evaluated: 2024-07-16. Review status: criteria provided, single submitter. Criteria: Myriad Autosomal Dominant, Autosomal Recessive and X-Linked Classification Criteria (2023). Collection method: clinical testing. Allele origin: unknown.
Comment: This variant is considered likely benign. This variant has been observed at a population frequency that is significantly greater than expected given the associated disease prevalence and penetrance.

Labcorp Genetics (formerly Invitae), Labcorp
Classification: Uncertain significance for BAP1-related tumor predisposition syndrome. Last evaluated: 2024-06-15. Review status: criteria provided, single submitter. Criteria: Invitae Variant Classification Sherloc (09022015). Collection method: clinical testing. Allele origin: germline.
Comment: This sequence change replaces aspartic acid, which is acidic and polar, with asparagine, which is neutral and polar, at codon 407 of the BAP1 protein (p.Asp407Asn). Information on the frequency of this variant in the gnomAD database is not available, as this variant may be reported differently in the database. This variant has not been reported in the literature in individuals affected with BAP1-related conditions. ClinVar contains an entry for this variant (Variation ID: 490779). Experimental studies and prediction algorithms are not available or were not evaluated, and the functional significance of this variant is currently unknown. In summary, the available evidence is currently insufficient to determine the role of this variant in disease. Therefore, it has been classified as a Variant of Uncertain Significance.

Color Diagnostics, LLC DBA Color Health
Classification: Uncertain significance for Hereditary cancer-predisposing syndrome. Last evaluated: 2024-03-06. Review status: criteria provided, single submitter. Criteria: ACMG Guidelines, 2015. Collection method: clinical testing. Allele origin: germline.
Comment: This missense variant replaces aspartic acid with asparagine at codon 407 of the BAP1 protein. Computational prediction is inconclusive regarding the impact of this variant on protein structure and function (internally defined REVEL score threshold 0.5 < inconclusive < 0.7, PMID: 27666373). To our knowledge, functional studies have not been reported for this variant. This variant has not been reported in individuals affected with hereditary cancer in the literature. This variant has not been identified in the general population by the Genome Aggregation Database (gnomAD). The available evidence is insufficient to determine the role of this variant in disease conclusively. Therefore, this variant is classified as a Variant of Uncertain Significance.

Ambry Genetics
Classification: Uncertain significance for Hereditary cancer-predisposing syndrome. Last evaluated: 2024-01-30. Review status: criteria provided, single submitter. Criteria: Ambry Variant Classification Scheme 2023. Collection method: clinical testing. Allele origin: germline.
Comment: The c.1218_1219delGGinsAA variant (also known as p.D407N), located in coding exon 12 of the BAP1 gene, results from an in-frame deletion of GG and insertion of AA at nucleotide positions 1218 to 1219. This results in the substitution of the aspartic acid residue for a asparagine residue at codon 407, an amino acid with highly similar properties. This amino acid position is not well conserved in available vertebrate species. In addition, this alteration is predicted to be neutral by in silico analysis (Choi Y et al. PLoS ONE. 2012; 7(10):e46688). Since supporting evidence is limited at this time, the clinical significance of this alteration remains unclear.

NM_004656.4(BAP1):c.1218_1219delinsAA (p.Asp407Asn)

Gene: BAP1 (BRCA1 associated deubiquitinase 1; minus strand). Cytogenetic location: 3p21.1.
Variant type: Indel.
Coding change: c.1218_1219delinsAA on transcript NM_004656.4 (MANE Select); coding-DNA positions 1218 to 1219, GG replaced by AA.
Protein change: p.Asp407Asn; replaces aspartic acid 407 with asparagine.
Molecular consequence: missense variant.
Genome position (GRCh38, 1-based): chr3:52,404,484-52,404,485, CC replaced by TT on the plus strand (GG replaced by AA on the coding strand, the reverse complement: BAP1 is on the minus strand). VCF-style: chr3-52404484-CC-TT. GRCh37 (hg19) VCF-style: chr3-52438500-CC-TT.
Other names: c.1218_1219delGGinsAA (NM_004656.2); short protein forms D407N.
Identifiers: ClinVar variation 490779 (VCV000490779.12), dbSNP rs1553645112, ClinGen allele CA658683350.